The following is an entry in ClinVar:

ClinVar aggregate classification (germline): Uncertain significance (1 of 4 stars; one submission).

Submission:

GeneDx
Classification: Uncertain significance. Last evaluated: 2024-04-17. Review status: criteria provided, single submitter. Criteria: GeneDx Variant Classification Process June 2021. Collection method: clinical testing. Allele origin: germline. Affected: yes.
Comment: Not observed at significant frequency in large population cohorts (gnomAD); In silico analysis supports that this missense variant has a deleterious effect on protein structure/function; Has not been previously published as pathogenic or benign to our knowledge

NM_014991.6(WDFY3):c.6017A>T (p.Gln2006Leu)

Gene: WDFY3 (WD repeat and FYVE domain containing 3; minus strand). Cytogenetic location: 4q21.23.
Variant type: single nucleotide variant.
Coding change: c.6017A>T on transcript NM_014991.6 (MANE Select); coding-DNA position 6017, A replaced by T.
Protein change: p.Gln2006Leu; replaces glutamine 2006 with leucine.
Molecular consequence: missense variant.
Genome position (GRCh38, 1-based): chr4:84,743,756, T>A on the plus strand (A>T on the coding strand, the complement: WDFY3 is on the minus strand). VCF-style: chr4-84743756-T-A. GRCh37 (hg19) VCF-style: chr4-85664909-T-A.
Other names: short protein forms Q2006L.
Identifiers: ClinVar variation 3372743 (VCV003372743.1).